The following is an entry in ClinVar:

NM_001830.4(CLCN4):c.145-4C>A

Gene: CLCN4 (Cl-/H+ antiporter 4; plus strand). Cytogenetic location: Xp22.2.
Variant type: single nucleotide variant.
Coding change: c.145-4C>A on transcript NM_001830.4 (MANE Select); 4 bases into the intron before coding-DNA position 145, C replaced by A.
Molecular consequence: intron variant.
Genome position (GRCh38, 1-based): chrX:10,187,511, C>A. VCF-style: chrX-10187511-C-A. GRCh37 (hg19) VCF-style: chrX-10155551-C-A.
Other names: c.-38-7400C>A (NM_001256944.2).
Identifiers: ClinVar variation 695408 (VCV000695408.37), dbSNP rs202245864, ClinGen allele CA10347017.

ClinVar aggregate classification (germline): Benign/Likely benign. Review status: criteria provided, multiple submitters, no conflicts (2 of 4 stars). 5 submissions from 5 submitters: Benign (2); Likely benign (2). 1 of the submissions does not count toward it. Last evaluated 2025-10-20.

Conditions:
CLCN4-related disorder. Identifiers: MedGen CN232948.
Intellectual disability. Also called: Intellectual functioning disability; intellectual disabilities; Intellectual developmental disorder. Identifiers: MedGen C3714756, MeSH D008607, MONDO:0001071, HP:0001249.

Allele frequency attached by ClinVar (database versions not stated): ESP Exome Variant Server 0.00028; TOPMed 0.00029; 1000 Genomes Project 30x 0.00042; gnomAD exomes 0.00050 and 0.00027; 1000 Genomes Project 0.00053; gnomAD 0.00014; ExAC 0.00026.
gnomAD v4.1: 581 of 1,194,690 alleles (0.049%); highest among the groups gnomAD compares: Non-Finnish European, 0.061%; no homozygotes.

Submissions (5):

Labcorp Genetics (formerly Invitae), Labcorp
Classification: Likely benign. Last evaluated: 2025-10-20. Review status: criteria provided, single submitter. Criteria: Invitae Variant Classification Sherloc (09022015). Collection method: clinical testing. Allele origin: germline.

CeGaT Center for Human Genetics Tuebingen
Classification: Likely benign. Last evaluated: 2023-12-01. Review status: criteria provided, single submitter. Criteria: CeGaT Center For Human Genetics Tuebingen Variant Classification Criteria Version 2. Collection method: clinical testing. Allele origin: germline. Affected: yes. Observed: 1 variant allele.
Comment: CLCN4: BP4, BS2

GeneDx
Classification: Benign. Last evaluated: 2020-12-11. Review status: criteria provided, single submitter. Criteria: GeneDx Variant Classification Process June 2021. Collection method: clinical testing. Allele origin: germline. Affected: yes.

Cambridge Genomics Laboratory, East Genomic Laboratory Hub, NHS Genomic Medicine Service
Classification: Benign for Intellectual disability. Last evaluated: 2019-08-08. Review status: criteria provided, single submitter. Criteria: ACGS Best Practice Guidelines for Variant Classification in Rare Disease 2020. Collection method: clinical testing. Allele origin: germline. Affected: yes. Observed: 1 variant allele.

PreventionGenetics, part of Exact Sciences
Classification: Likely benign for CLCN4-related condition. Last evaluated: 2019-08-14. Review status: no assertion criteria provided. Collection method: clinical testing. Allele origin: germline. Not counted in ClinVar's aggregate classification.
Comment: This variant is classified as likely benign based on ACMG/AMP sequence variant interpretation guidelines (Richards et al. 2015 PMID: 25741868, with internal and published modifications).